The following is an entry in ClinVar:

ClinVar aggregate classification (germline): Pathogenic (1 of 4 stars; one submission).

Conditions:
Neuronal ceroid lipofuscinosis. Also called: Neuronal Ceroid Lipofuscinoses. Identifiers: Orphanet 216, Orphanet 79263, MedGen C0027877, MONDO:0016295. Disease mechanism: loss of function.

Submission:

Labcorp Genetics (formerly Invitae), Labcorp
Classification: Pathogenic for Neuronal ceroid lipofuscinosis. Last evaluated: 2019-11-17. Review status: criteria provided, single submitter. Criteria: Invitae Variant Classification Sherloc (09022015). Collection method: clinical testing. Allele origin: germline.
Comment: This variant is an out-of-frame deletion of the genomic region encompassing exon 10 of the CLN3 gene. This is expected to create a premature translational stop signal and result in an absent or disrupted protein product. This variant has not been reported in the literature in individuals with CLN3-related conditions. Loss-of-function variants in CLN3 are known to be pathogenic (PMID: 9311735, 28542676). For these reasons, this variant has been classified as Pathogenic.

NC_000016.10:g.(?_28483996)_(28484128_?)del

Gene: CLN3 (CLN3 lysosomal/endosomal transmembrane protein, battenin; minus strand). Cytogenetic location: 16p11.2.
Variant type: Deletion.
Identifiers: ClinVar variation 831057 (VCV000831057.1).